The following is an entry in ClinVar:

ClinVar aggregate classification (germline): Uncertain significance. Review status: criteria provided, multiple submitters, no conflicts (2 of 4 stars). 2 submissions from 2 submitters: Uncertain significance (2). Last evaluated 2025-08-05.

Conditions:
Charcot-Marie-Tooth Neuropathy X. Identifiers: MedGen CN118851.
Combined oxidative phosphorylation deficiency. Identifiers: MedGen C4540031, MONDO:0000732.

Allele frequency attached by ClinVar (database versions not stated): TOPMed 0.00001; gnomAD 0.00001.
gnomAD v4.1: 1 of 1,208,195 alleles (0.000083%); highest among the groups gnomAD compares: African/African-American, 0.0018%; no homozygotes.

Submissions (2):

Labcorp Genetics (formerly Invitae), Labcorp
Classification: Uncertain significance for Charcot-Marie-Tooth Neuropathy X; Combined oxidative phosphorylation deficiency. Last evaluated: 2025-08-05. Review status: criteria provided, single submitter. Criteria: Invitae Variant Classification Sherloc (09022015). Collection method: clinical testing. Allele origin: germline.
Comment: This sequence change replaces aspartic acid, which is acidic and polar, with asparagine, which is neutral and polar, at codon 216 of the AIFM1 protein (p.Asp216Asn). This variant is not present in population databases (gnomAD no frequency). This variant has not been reported in the literature in individuals affected with AIFM1-related conditions. ClinVar contains an entry for this variant (Variation ID: 651317). Invitae Evidence Modeling of protein sequence and biophysical properties (such as structural, functional, and spatial information, amino acid conservation, physicochemical variation, residue mobility, and thermodynamic stability) indicates that this missense variant is not expected to disrupt AIFM1 protein function with a negative predictive value of 80%. In summary, the available evidence is currently insufficient to determine the role of this variant in disease. Therefore, it has been classified as a Variant of Uncertain Significance.

GeneDx
Classification: Uncertain significance. Last evaluated: 2019-02-26. Review status: criteria provided, single submitter. Criteria: GeneDx Variant Classification Process June 2021. Collection method: clinical testing. Allele origin: germline. Affected: yes.
Comment: Not observed in large population cohorts (Lek et al., 2016); In silico analysis, which includes protein predictors and evolutionary conservation, supports that this variant does not alter protein structure/function; Has not been previously published as pathogenic or benign to our knowledge

NM_004208.4(AIFM1):c.646G>A (p.Asp216Asn)

Genes: AIFM1 (apoptosis inducing factor mitochondria associated 1; minus strand), RAB33A (RAB33A, member RAS oncogene family; plus strand). Cytogenetic location: Xq26.1.
Variant type: single nucleotide variant.
Coding change: c.646G>A on transcript NM_004208.4 (MANE Select); coding-DNA position 646, G replaced by A.
Protein change: p.Asp216Asn; replaces aspartic acid 216 with asparagine.
Molecular consequence: missense variant. On other transcripts: non-coding transcript variant (1).
Genome position (GRCh38, 1-based): chrX:130,145,529, C>T on the plus strand (G>A on the coding strand, the complement: AIFM1 is on the minus strand). VCF-style: chrX-130145529-C-T. GRCh37 (hg19) VCF-style: chrX-129279504-C-T.
Other names: c.646G>A, p.Asp216Asn (NM_001130847.4); c.634G>A, p.Asp212Asn (NM_145812.3); short protein forms D216N, D212N.
Identifiers: ClinVar variation 651317 (VCV000651317.12), dbSNP rs1170792825, ClinGen allele CA414586921.
Genomic context (GRCh38, chrX:130,145,529, plus strand): 5'-ACTAGCTCACCTTCTTCCCAGTGAGGACAGCCACACCACCATTCTCAATATGAGGCAGGT[C>T]CTGAGCAGAGACATAGAAAGAAGGTGGCTGGAAATATATGCTGTATGGAGAAGAGAGGGA-3'
Protein context (NP_004199.1, residues 206-226): QPPSFYVSAQ[Asp216Asn]LPHIENGGVA